The following is an entry in ClinVar:

NM_001134831.2(AHI1):c.1028T>C (p.Leu343Pro)

Gene: AHI1 (Abelson helper integration site 1; minus strand). Cytogenetic location: 6q23.3.
Variant type: single nucleotide variant.
Coding change: c.1028T>C on transcript NM_001134831.2 (MANE Select); coding-DNA position 1028, T replaced by C.
Protein change: p.Leu343Pro; replaces leucine 343 with proline.
Molecular consequence: missense variant.
Genome position (GRCh38, 1-based): chr6:135,457,617, A>G on the plus strand (T>C on the coding strand, the complement: AHI1 is on the minus strand). VCF-style: chr6-135457617-A-G. GRCh37 (hg19) VCF-style: chr6-135778755-A-G.
Other names: c.1028T>C, p.Leu343Pro (NM_001134830.2, NM_001134832.2, NM_001350503.2 and 2 more transcripts); short protein forms L343P.
Identifiers: ClinVar variation 1976824 (VCV001976824.2), dbSNP rs2484906657, ClinGen allele CA365747836.

ClinVar aggregate classification (germline): Uncertain significance (1 of 4 stars; one submission).

Conditions:
Joubert syndrome. Also called: CEREBELLOPARENCHYMAL DISORDER IV; JOUBERT-BOLTSHAUSER SYNDROME; Familial aplasia of the vermis. Identifiers: Orphanet 475, MedGen C5979921, MONDO:0018772.

Allele frequency attached by ClinVar (database versions not stated): gnomAD exomes below 0.00001.
gnomAD v4.1: 3 of 1,613,872 alleles (0.00019%); highest among the groups gnomAD compares: Non-Finnish European, 0.00017%; no homozygotes.

Submission:

Labcorp Genetics (formerly Invitae), Labcorp
Classification: Uncertain significance for Joubert syndrome. Last evaluated: 2022-08-11. Review status: criteria provided, single submitter. Criteria: Invitae Variant Classification Sherloc (09022015). Collection method: clinical testing. Allele origin: germline.
Comment: This sequence change replaces leucine, which is neutral and non-polar, with proline, which is neutral and non-polar, at codon 343 of the AHI1 protein (p.Leu343Pro). This variant is not present in population databases (gnomAD no frequency). This variant has not been reported in the literature in individuals affected with AHI1-related conditions. Advanced modeling of protein sequence and biophysical properties (such as structural, functional, and spatial information, amino acid conservation, physicochemical variation, residue mobility, and thermodynamic stability) performed at Invitae indicates that this missense variant is expected to disrupt AHI1 protein function. In summary, the available evidence is currently insufficient to determine the role of this variant in disease. Therefore, it has been classified as a Variant of Uncertain Significance.